The following is an entry in ClinVar:

NM_007294.4(BRCA1):c.5487G>C (p.Glu1829Asp)

Gene: BRCA1 (BRCA1 DNA repair associated; minus strand). Cytogenetic location: 17q21.31.
Variant type: single nucleotide variant.
Coding change: c.5487G>C on transcript NM_007294.4 (MANE Select); coding-DNA position 5487, G replaced by C.
Protein change: p.Glu1829Asp; replaces glutamic acid 1829 with aspartic acid.
Molecular consequence: missense variant. On other transcripts: 3 prime UTR variant (1), non-coding transcript variant (1).
Genome position (GRCh38, 1-based): chr17:43,045,783, C>G on the plus strand (G>C on the coding strand, the complement: BRCA1 is on the minus strand). VCF-style: chr17-43045783-C-G. GRCh37 (hg19) VCF-style: chr17-41197800-C-G.
Other names: c.5487G>C, p.Glu1829Asp (NM_001407594.1, NM_001407596.1, NM_001407597.1 and 5 more transcripts); c.5484G>C, p.Glu1828Asp (NM_001407610.1, NM_001407611.1, NM_001407612.1 and 14 more transcripts); c.5358G>C, p.Glu1786Asp (NM_001407682.1, NM_001407683.1, NM_001407684.1 and 6 more transcripts); c.5355G>C, p.Glu1785Asp (NM_001407690.1, NM_001407691.1); c.5103G>C, p.Glu1701Asp (NM_001407960.1, NM_001407962.1); c.5100G>C, p.Glu1700Asp (NM_001407963.1); c.5025G>C, p.Glu1675Asp (NM_001407964.1); c.4980G>C, p.Glu1660Asp (NM_001407965.1); and 74 more; short protein forms E1829D, E1850D, E725D, E1782D, E1660D, E1716D, E1717D, E1741D.
Identifiers: ClinVar variation 868982 (VCV000868982.16), dbSNP rs2050884436, ClinGen allele CA10590330.

ClinVar aggregate classification (germline): Conflicting classifications of pathogenicity. Review status: criteria provided, conflicting classifications (1 of 4 stars). 2 submissions from 2 submitters: Uncertain significance (1); Likely benign (1). Last evaluated 2026-06-26.

Conditions:
Hereditary cancer-predisposing syndrome. Also called: Tumor predisposition; Hereditary neoplastic syndrome; Neoplastic Syndromes, Hereditary; Hereditary Cancer Syndrome. Identifiers: Orphanet 140162, MedGen C0027672, MeSH D009386, MONDO:0015356.
Hereditary breast ovarian cancer syndrome. Also called: Hereditary breast and ovarian cancer; Hereditary breast and ovarian cancer syndrome (HBOC); Hereditary breast and/or ovarian cancer syndrome; Hereditary breast and ovarian cancer syndrome; Breast and ovarian cancer; BRCA1- and BRCA2-Associated Hereditary Breast and Ovarian Cancer. Identifiers: Orphanet 145, MedGen C0677776, MeSH D061325, MONDO:0003582. Disease mechanism: loss of function.

Submissions (3):

Ambry Genetics
Classification: Likely benign for Hereditary cancer-predisposing syndrome. Last evaluated: 2026-06-26. Review status: criteria provided, single submitter. Criteria: Ambry Variant Classification Scheme 2023. Collection method: clinical testing. Allele origin: germline.

Labcorp Genetics (formerly Invitae), Labcorp
Classification: Uncertain significance for Hereditary breast ovarian cancer syndrome. Last evaluated: 2020-08-20. Review status: criteria provided, single submitter. Criteria: Invitae Variant Classification Sherloc (09022015). Collection method: clinical testing. Allele origin: germline.
Comment: Experimental studies have shown that this variant does not substantially affect BRCA1 protein function (PMID: 30209399). In summary, the available evidence is currently insufficient to determine the role of this variant in disease. Therefore, it has been classified as a Variant of Uncertain Significance. Advanced modeling of protein sequence and biophysical properties (such as structural, functional, and spatial information, amino acid conservation, physicochemical variation, residue mobility, and thermodynamic stability) performed at Invitae indicates that this missense variant is not expected to disrupt BRCA1 protein function. This variant has not been reported in the literature in individuals with BRCA1-related conditions. ClinVar contains an entry for this variant (Variation ID: 868982). This variant is not present in population databases (ExAC no frequency). This sequence change replaces glutamic acid with aspartic acid at codon 1829 of the BRCA1 protein (p.Glu1829Asp). The glutamic acid residue is moderately conserved and there is a small physicochemical difference between glutamic acid and aspartic acid.

Brotman Baty Institute, University of Washington
No classification provided (evidence only). Condition: Breast-ovarian cancer, familial 1. Review status: no classification provided. Collection method: in vitro. Allele origin: not applicable. Functional consequence: functionally_normal. Not counted in ClinVar's aggregate classification.
ClinVar note: "not provided" was previously submitted as the classification for the variant. However, the classification appeared to be based only on an observation of functional data so it was converted to no classification on 2025-07-30.

Literature cited by the submitters: PubMed 30209399 (cited by Ambry Genetics and Labcorp Genetics (formerly Invitae), Labcorp).